The following is an entry in ClinVar:

NM_001349253.2(SCN11A):c.4898T>A (p.Phe1633Tyr)

Gene: SCN11A (sodium voltage-gated channel alpha subunit 11; minus strand). Cytogenetic location: 3p22.2.
Variant type: single nucleotide variant.
Coding change: c.4898T>A on transcript NM_001349253.2 (MANE Select); coding-DNA position 4898, T replaced by A.
Protein change: p.Phe1633Tyr; replaces phenylalanine 1633 with tyrosine.
Molecular consequence: missense variant.
Genome position (GRCh38, 1-based): chr3:38,847,172, A>T on the plus strand (T>A on the coding strand, the complement: SCN11A is on the minus strand). VCF-style: chr3-38847172-A-T. GRCh37 (hg19) VCF-style: chr3-38888663-A-T.
Other names: c.4898T>A, p.Phe1633Tyr (NM_014139.3); short protein forms F1633Y.
Identifiers: ClinVar variation 1985524 (VCV001985524.4), dbSNP rs1455709003, ClinGen allele CA352162153.

ClinVar aggregate classification (germline): Uncertain significance (1 of 4 stars; one submission).

Conditions:
Hereditary sensory and autonomic neuropathy type 7. Also called: HSAN VII; Neuropathy, hereditary sensory and autonomic, type VII. Identifiers: Orphanet 391397, MedGen C3809882, MONDO:0014244, OMIM 615548.
Familial episodic pain syndrome with predominantly lower limb involvement. Also called: Episodic pain syndrome, familial, 3. Identifiers: Orphanet 391384, Orphanet 391392, MedGen C3809899, MONDO:0014247, OMIM 615552.

Allele frequency attached by ClinVar (database versions not stated): gnomAD exomes below 0.00001; gnomAD 0.00001; TOPMed 0.00001.
gnomAD v4.1: 8 of 1,614,070 alleles (0.0005%); highest among the groups gnomAD compares: Non-Finnish European, 0.00068%; no homozygotes.

Submission:

Labcorp Genetics (formerly Invitae), Labcorp
Classification: Uncertain significance for Familial episodic pain syndrome with predominantly lower limb involvement; Hereditary sensory and autonomic neuropathy type 7. Last evaluated: 2023-11-27. Review status: criteria provided, single submitter. Criteria: Invitae Variant Classification Sherloc (09022015). Collection method: clinical testing. Allele origin: germline.
Comment: This sequence change replaces phenylalanine, which is neutral and non-polar, with tyrosine, which is neutral and polar, at codon 1633 of the SCN11A protein (p.Phe1633Tyr). This variant is not present in population databases (gnomAD no frequency). This variant has not been reported in the literature in individuals affected with SCN11A-related conditions. ClinVar contains an entry for this variant (Variation ID: 1985524). Advanced modeling of protein sequence and biophysical properties (such as structural, functional, and spatial information, amino acid conservation, physicochemical variation, residue mobility, and thermodynamic stability) performed at Invitae indicates that this missense variant is not expected to disrupt SCN11A protein function with a negative predictive value of 80%. In summary, the available evidence is currently insufficient to determine the role of this variant in disease. Therefore, it has been classified as a Variant of Uncertain Significance.